The following is an entry in ClinVar:

NM_000321.3(RB1):c.1373A>C (p.Glu458Ala)

Gene: RB1 (RB transcriptional corepressor 1; plus strand). Cytogenetic location: 13q14.2.
Variant type: single nucleotide variant.
Coding change: c.1373A>C on transcript NM_000321.3 (MANE Select); coding-DNA position 1373, A replaced by C.
Protein change: p.Glu458Ala; replaces glutamic acid 458 with alanine.
Molecular consequence: missense variant.
Genome position (GRCh38, 1-based): chr13:48,379,634, A>C. VCF-style: chr13-48379634-A-C. GRCh37 (hg19) VCF-style: chr13-48953770-A-C.
Other names: short protein forms E458A.
Identifiers: ClinVar variation 860626 (VCV000860626.11), dbSNP rs1948514334, ClinGen allele CA388162616.

ClinVar aggregate classification (germline): Uncertain significance. Review status: criteria provided, multiple submitters, no conflicts (2 of 4 stars). 2 submissions from 2 submitters: Uncertain significance (2). Last evaluated 2026-07-08.

Conditions:
Hereditary cancer-predisposing syndrome. Also called: Tumor predisposition; Hereditary neoplastic syndrome; Neoplastic Syndromes, Hereditary; Hereditary Cancer Syndrome. Identifiers: Orphanet 140162, MedGen C0027672, MeSH D009386, MONDO:0015356.
Retinoblastoma (RB1). Also called: RETINOBLASTOMA, SOMATIC. Identifiers: Orphanet 790, MedGen C0035335, MeSH D012175, MONDO:0008380, OMIM 180200, HP:0009919. Disease mechanism: loss of function. Inheritance: Both sporadic and heritable forms are tested..

Allele frequency attached by ClinVar (database versions not stated): gnomAD exomes below 0.00001.
gnomAD v4.1: 1 of 1,612,364 alleles (0.000062%); highest among the groups gnomAD compares: Non-Finnish European, 0.000085%; no homozygotes.

Submissions (2):

Ambry Genetics
Classification: Uncertain significance for Hereditary cancer-predisposing syndrome. Last evaluated: 2026-07-08. Review status: criteria provided, single submitter. Criteria: Ambry Variant Classification Scheme 2023. Collection method: clinical testing. Allele origin: germline.
Comment: The p.E458A variant (also known as c.1373A>C), located in coding exon 14 of the RB1 gene, results from an A to C substitution at nucleotide position 1373. The glutamic acid at codon 458 is replaced by alanine, an amino acid with dissimilar properties. This amino acid position is highly conserved in available vertebrate species. In addition, this alteration is predicted to be deleterious by in silico analysis. Based on the available evidence, the clinical significance of this variant remains unclear.

Labcorp Genetics (formerly Invitae), Labcorp
Classification: Uncertain significance for Retinoblastoma. Last evaluated: 2019-11-26. Review status: criteria provided, single submitter. Criteria: Invitae Variant Classification Sherloc (09022015). Collection method: clinical testing. Allele origin: germline.
Comment: In summary, the available evidence is currently insufficient to determine the role of this variant in disease. Therefore, it has been classified as a Variant of Uncertain Significance. Algorithms developed to predict the effect of missense changes on protein structure and function (SIFT, PolyPhen-2, Align-GVGD) all suggest that this variant is likely to be disruptive, but these predictions have not been confirmed by published functional studies and their clinical significance is uncertain. This variant has not been reported in the literature in individuals with RB1-related conditions. This variant is not present in population databases (ExAC no frequency). This sequence change replaces glutamic acid with alanine at codon 458 of the RB1 protein (p.Glu458Ala). The glutamic acid residue is highly conserved and there is a moderate physicochemical difference between glutamic acid and alanine.